The following is an entry in ClinVar:

NM_007194.4(CHEK2):c.1210T>A (p.Tyr404Asn)

Gene: CHEK2 (checkpoint kinase 2; minus strand). Cytogenetic location: 22q12.1.
Variant type: single nucleotide variant.
Coding change: c.1210T>A on transcript NM_007194.4 (MANE Select); coding-DNA position 1210, T replaced by A.
Protein change: p.Tyr404Asn; replaces tyrosine 404 with asparagine.
Molecular consequence: missense variant.
Genome position (GRCh38, 1-based): chr22:28,695,759, A>T on the plus strand (T>A on the coding strand, the complement: CHEK2 is on the minus strand). VCF-style: chr22-28695759-A-T. GRCh37 (hg19) VCF-style: chr22-29091747-A-T.
Other names: c.1339T>A, p.Tyr447Asn (NM_001005735.3); c.547T>A, p.Tyr183Asn (NM_001257387.3); c.1009T>A, p.Tyr337Asn (NM_001349956.3); c.1123T>A, p.Tyr375Asn (NM_145862.3); short protein forms Y404N, Y337N, Y447N, Y183N, Y375N.
Identifiers: ClinVar variation 489875 (VCV000489875.16), dbSNP rs1555913715, ClinGen allele CA411096738.

ClinVar aggregate classification (germline): Uncertain significance. Review status: criteria provided, multiple submitters, no conflicts (2 of 4 stars). 3 submissions from 3 submitters: Uncertain significance (3). Last evaluated 2024-09-30.

Conditions:
Familial cancer of breast. Also called: Hereditary breast cancer; BREAST CANCER, FAMILIAL; hereditary breast carcinoma. Identifiers: Orphanet 227535, MedGen C0346153, MONDO:0016419, OMIM 114480. Disease mechanism: loss of function.
Hereditary cancer-predisposing syndrome. Also called: Hereditary Cancer Syndrome; Neoplastic Syndromes, Hereditary; Tumor predisposition; Hereditary neoplastic syndrome. Identifiers: Orphanet 140162, MedGen C0027672, MeSH D009386, MONDO:0015356.

Submissions (3):

Color Diagnostics, LLC DBA Color Health
Classification: Uncertain significance for Hereditary cancer-predisposing syndrome. Last evaluated: 2024-09-30. Review status: criteria provided, single submitter. Criteria: ACMG Guidelines, 2015. Collection method: clinical testing. Allele origin: germline.
Comment: This missense variant replaces tyrosine with asparagine at codon 404 of the CHEK2 protein. Computational prediction suggests that this variant may have deleterious impact on protein structure and function. To our knowledge, functional studies have not been reported for this variant. This variant has not been reported in individuals affected with CHEK2-related disorders in the literature. This variant has not been identified in the general population by the Genome Aggregation Database (gnomAD). The available evidence is insufficient to determine the role of this variant in disease conclusively. Therefore, this variant is classified as a Variant of Uncertain Significance.

Ambry Genetics
Classification: Uncertain significance for Hereditary cancer-predisposing syndrome. Last evaluated: 2024-08-21. Review status: criteria provided, single submitter. Criteria: Ambry Variant Classification Scheme 2023. Collection method: clinical testing. Allele origin: germline.
Comment: The p.Y404N variant (also known as c.1210T>A), located in coding exon 10 of the CHEK2 gene, results from a T to A substitution at nucleotide position 1210. The tyrosine at codon 404 is replaced by asparagine, an amino acid with dissimilar properties. This amino acid position is highly conserved in available vertebrate species. In addition, this alteration is predicted to be deleterious by in silico analysis. Based on the available evidence, the clinical significance of this variant remains unclear.

Labcorp Genetics (formerly Invitae), Labcorp
Classification: Uncertain significance for Familial cancer of breast. Last evaluated: 2022-12-05. Review status: criteria provided, single submitter. Criteria: Invitae Variant Classification Sherloc (09022015). Collection method: clinical testing. Allele origin: germline.
Comment: ClinVar contains an entry for this variant (Variation ID: 489875). This variant has not been reported in the literature in individuals affected with CHEK2-related conditions. This variant is not present in population databases (gnomAD no frequency). This sequence change replaces tyrosine, which is neutral and polar, with asparagine, which is neutral and polar, at codon 404 of the CHEK2 protein (p.Tyr404Asn). In summary, the available evidence is currently insufficient to determine the role of this variant in disease. Therefore, it has been classified as a Variant of Uncertain Significance. Algorithms developed to predict the effect of missense changes on protein structure and function are either unavailable or do not agree on the potential impact of this missense change (SIFT: "Deleterious"; PolyPhen-2: "Probably Damaging"; Align-GVGD: "Class C0").